The following is an entry in ClinVar:

ClinVar aggregate classification (germline): Likely pathogenic (1 of 4 stars; one submission).

Conditions:
RFX6-related disorder. Also called: RFX6-related condition.

Submission:

PreventionGenetics, part of Exact Sciences
Classification: Likely pathogenic for RFX6-related condition. Last evaluated: 2022-11-23. Review status: criteria provided, single submitter. Criteria: ACMG Guidelines, 2015. Collection method: clinical testing. Allele origin: germline.
Comment: The RFX6 c.1278_1281delTCTT variant is predicted to result in a frameshift and premature protein termination (p.Leu427Profs*25). To our knowledge, this variant has not been reported in the literature or in a large population database, indicating this variant is rare. Frameshift variants in RFX6 are expected to be pathogenic. This variant is interpreted as likely pathogenic.

NM_173560.4(RFX6):c.1278_1281del (p.Leu427fs)

Gene: RFX6 (regulatory factor X6; plus strand). Cytogenetic location: 6q22.1.
Variant type: Deletion.
Coding change: c.1278_1281del on transcript NM_173560.4 (MANE Select); coding-DNA positions 1278 to 1281, 4 bases deleted (TCTT; older notation c.1278_1281delTCTT).
Protein change: p.Leu427fs; shifts the reading frame from leucine 427.
Molecular consequence: frameshift variant.
Genome position (GRCh38, 1-based): chr6:116,920,405-116,920,408, TCTT deleted; deleting any 4 consecutive bases within chr6:116,920,404-116,920,408 gives the same sequence; the c. name uses the placement nearest the transcript's 3' end. VCF-style (leftmost placement, unchanged base first): chr6-116920403-CTTCT-C. GRCh37 (hg19) VCF-style: chr6-117241566-CTTCT-C.
Other names: short protein forms L427fs.
Identifiers: ClinVar variation 2635430 (VCV002635430.1), dbSNP rs2481937153, ClinGen allele CA2695198322.
Genomic context (GRCh38, chr6:116,920,403, plus strand): 5'-GTTAATTCTATGGTGTCTGATATTGAAAGGGTTGATTTGAACAGCATTGGCTCTCAAGCC[CTTCT>C]TACCATTTCAGGCAGCACAGACACTGAATCTGGTATCTACACTGAACGTAAGTCCATTCT-3'